The following is an entry in ClinVar:

NM_182914.3(SYNE2):c.4219dup (p.Ser1407fs)

Gene: SYNE2 (spectrin repeat containing nuclear envelope protein 2; plus strand). Cytogenetic location: 14q23.2.
Variant type: Duplication.
Coding change: c.4219dup on transcript NM_182914.3 (MANE Select); coding-DNA position 4219, one base duplicated (T; older notation c.4219dupT).
Protein change: p.Ser1407fs; shifts the reading frame from serine 1407.
Molecular consequence: frameshift variant.
Genome position (GRCh38, 1-based): chr14:64,003,152, T duplicated; the last of 5 consecutive T bases (chr14:64,003,148-64,003,152); duplicating any one gives the same sequence. VCF-style (leftmost placement, unchanged base first): chr14-64003147-C-CT. GRCh37 (hg19) VCF-style: chr14-64469865-C-CT.
Other names: c.4219dup, p.Ser1407fs (NM_015180.6); short protein forms S1407fs.
Identifiers: ClinVar variation 1501812 (VCV001501812.6), dbSNP rs1567023881, ClinGen allele CA614734783.
Genomic context (GRCh38, chr14:64,003,147, plus strand): 5'-ATATGAGCTTTAAAGATGCTGAACGGGGTGATGACACCTCCTGTGAAAACCTGCTTGATG[C>CT]TTTTTCAATAAAGTTATCTGAGACACATGGCTATGGGGTACAGGAGGAATTCACTGAGGA-3'

ClinVar aggregate classification (germline): Uncertain significance (1 of 4 stars; one submission).

Conditions:
Emery-Dreifuss muscular dystrophy 5, autosomal dominant (EDMD5). Also called: EMERY-DREIFUSS MUSCULAR DYSTROPHY 5. Identifiers: Orphanet 261, MedGen C2751805, MONDO:0013072, OMIM 612999.

Submission:

Labcorp Genetics (formerly Invitae), Labcorp
Classification: Uncertain significance for Emery-Dreifuss muscular dystrophy 5, autosomal dominant. Last evaluated: 2022-08-13. Review status: criteria provided, single submitter. Criteria: Invitae Variant Classification Sherloc (09022015). Collection method: clinical testing. Allele origin: germline.
Comment: In summary, the available evidence is currently insufficient to determine the role of this variant in disease. Therefore, it has been classified as a Variant of Uncertain Significance. ClinVar contains an entry for this variant (Variation ID: 1501812). This variant has not been reported in the literature in individuals affected with SYNE2-related conditions. This variant is present in population databases (no rsID available, gnomAD 0.01%). This sequence change creates a premature translational stop signal (p.Ser1407Phefs*6) in the SYNE2 gene. It is expected to result in an absent or disrupted protein product. However, the current clinical and genetic evidence is not sufficient to establish whether loss-of-function variants in SYNE2 cause disease.